The following is an entry in ClinVar:

ClinVar aggregate classification (germline): Uncertain significance (1 of 4 stars; one submission).

Conditions:
Cardiovascular phenotype. Identifiers: MedGen CN230736.

Allele frequency attached by ClinVar (database versions not stated): gnomAD exomes below 0.00001; ExAC 0.00001.
gnomAD v4.1: 1 of 1,613,780 alleles (0.000062%); highest among the groups gnomAD compares: Non-Finnish European, 0.000085%; no homozygotes.

Submission:

Ambry Genetics
Classification: Uncertain significance for Cardiovascular phenotype. Last evaluated: 2022-08-30. Review status: criteria provided, single submitter. Criteria: Ambry Variant Classification Scheme 2023. Collection method: clinical testing. Allele origin: germline.
Comment: The p.S87N variant (also known as c.260G>A), located in coding exon 1 of the SCN10A gene, results from a G to A substitution at nucleotide position 260. The serine at codon 87 is replaced by asparagine, an amino acid with highly similar properties. This amino acid position is conserved. In addition, this alteration is predicted to be tolerated by in silico analysis. Since supporting evidence is limited at this time, the clinical significance of this alteration remains unclear.

NM_006514.4(SCN10A):c.260G>A (p.Ser87Asn)

Gene: SCN10A (sodium voltage-gated channel alpha subunit 10; minus strand). Cytogenetic location: 3p22.2.
Variant type: single nucleotide variant.
Coding change: c.260G>A on transcript NM_006514.4 (MANE Select); coding-DNA position 260, G replaced by A.
Protein change: p.Ser87Asn; replaces serine 87 with asparagine.
Molecular consequence: missense variant.
Genome position (GRCh38, 1-based): chr3:38,793,751, C>T on the plus strand (G>A on the coding strand, the complement: SCN10A is on the minus strand). VCF-style: chr3-38793751-C-T. GRCh37 (hg19) VCF-style: chr3-38835242-C-T.
Other names: c.260G>A, p.Ser87Asn (NM_001293306.2, NM_001293307.2); short protein forms S87N.
Identifiers: ClinVar variation 1793780 (VCV001793780.2), dbSNP rs766047928, ClinGen allele CA2321273.